The following is an entry in ClinVar:

ClinVar aggregate classification (germline): Likely benign (0 of 4 stars; one submission).

Conditions:
MUC16-related disorder. Also called: MUC16-related condition.

Submission:

PreventionGenetics, part of Exact Sciences
Classification: Likely benign for MUC16-related condition. Last evaluated: 2019-10-16. Review status: no assertion criteria provided. Collection method: clinical testing. Allele origin: germline.
Comment: This variant is classified as likely benign based on ACMG/AMP sequence variant interpretation guidelines (Richards et al. 2015 PMID: 25741868, with internal and published modifications).

NM_001401501.2(MUC16):c.37733-8T>C

Gene: MUC16 (mucin 16, cell surface associated; minus strand). Cytogenetic location: 19p13.2.
Variant type: single nucleotide variant.
Coding change: c.37733-8T>C on transcript NM_001401501.2 (MANE Select); 8 bases into the intron before coding-DNA position 37733, T replaced by C.
Molecular consequence: intron variant.
Genome position (GRCh38, 1-based): chr19:8,908,672, A>G on the plus strand (T>C on the coding strand, the complement: MUC16 is on the minus strand). VCF-style: chr19-8908672-A-G. GRCh37 (hg19) VCF-style: chr19-9019348-A-G.
Other names: c.38159-8T>C (NM_001414686.1); c.37613-8T>C (NM_001414687.1); c.37547-8T>C (NM_024690.2).
Identifiers: ClinVar variation 3059843 (VCV003059843.2), dbSNP rs796538927, ClinGen allele CA305027547.